The following is an entry in ClinVar:

NM_001286445.3(RIPOR2):c.1850T>G (p.Ile617Ser)

Gene: RIPOR2 (RHO family interacting cell polarization regulator 2; minus strand). Cytogenetic location: 6p22.3.
Variant type: single nucleotide variant.
Coding change: c.1850T>G on transcript NM_001286445.3 (MANE Select); coding-DNA position 1850, T replaced by G.
Protein change: p.Ile617Ser; replaces isoleucine 617 with serine.
Molecular consequence: missense variant.
Genome position (GRCh38, 1-based): chr6:24,842,869, A>C on the plus strand (T>G on the coding strand, the complement: RIPOR2 is on the minus strand). VCF-style: chr6-24842869-A-C. GRCh37 (hg19) VCF-style: chr6-24843097-A-C.
Other names: c.1865T>G, p.Ile622Ser (NM_001286446.3); c.1763T>G, p.Ile588Ser (NM_001286447.2, NM_001346031.2, NM_001346032.2 and 1 more transcripts); c.1913T>G, p.Ile638Ser (NM_014722.5); short protein forms I588S, I617S, I638S, I622S.
Identifiers: ClinVar variation 667058 (VCV000667058.48), dbSNP rs115013548, ClinGen allele CA3659179.

ClinVar aggregate classification (germline): Benign/Likely benign. Review status: criteria provided, multiple submitters, no conflicts (2 of 4 stars). 5 submissions from 5 submitters: Benign (3); Likely benign (2). Last evaluated 2026-01-17.

Allele frequency attached by ClinVar (database versions not stated): gnomAD exomes 0.00040 and 0.00135; gnomAD 0.00401; TOPMed 0.00428; 1000 Genomes Project 0.00459; ESP Exome Variant Server 0.00465; 1000 Genomes Project 30x 0.00500.
gnomAD v4.1: 1,109 of 1,439,940 alleles (0.077%); highest among the groups gnomAD compares: African/African-American, 1.3%; 5 homozygotes.

Submissions (5):

Labcorp Genetics (formerly Invitae), Labcorp
Classification: Benign. Last evaluated: 2026-01-17. Review status: criteria provided, single submitter. Criteria: Invitae Variant Classification Sherloc (09022015). Collection method: clinical testing. Allele origin: germline.

CeGaT Center for Human Genetics Tuebingen
Classification: Likely benign. Last evaluated: 2025-07-01. Review status: criteria provided, single submitter. Criteria: CeGaT Center For Human Genetics Tuebingen Variant Classification Criteria Version 2. Collection method: clinical testing. Allele origin: germline. Affected: yes. Observed: 2 variant alleles.
Comment: RIPOR2: BP4, BS1

Blueprint Genetics
Classification: Likely benign. Last evaluated: 2024-09-02. Review status: criteria provided, single submitter. Criteria: ACMG Guidelines, 2015. Collection method: clinical testing. Allele origin: germline.

GeneDx
Classification: Benign. Last evaluated: 2019-01-14. Review status: criteria provided, single submitter. Criteria: GeneDx Variant Classification Process June 2021. Collection method: clinical testing. Allele origin: germline. Affected: yes.

Laboratory for Molecular Medicine, Mass General Brigham Personalized Medicine
Classification: Benign. Last evaluated: 2017-08-23. Review status: criteria provided, single submitter. Criteria: LMM Criteria. Collection method: clinical testing. Allele origin: germline. Observed: 1 variant allele.
Comment: p.Ile638Ser in exon 14 of FAM65B: This variant is not expected to have clinical significance because it has been identified in 1.48% (139/9388) of African chrom osomes by the Exome Aggregation Consortium (ExAC ; dbSNP rs115013548).